The following is an entry in ClinVar:

ClinVar aggregate classification (germline): Uncertain significance. Review status: criteria provided, multiple submitters, no conflicts (2 of 4 stars). 2 submissions from 2 submitters: Uncertain significance (2). Last evaluated 2025-02-20.

Allele frequency attached by ClinVar (database versions not stated): TOPMed 0.00001.

Submissions (2):

Ambry Genetics
Classification: Uncertain significance. Last evaluated: 2025-02-20. Review status: criteria provided, single submitter. Criteria: Ambry Variant Classification Scheme 2023. Collection method: clinical testing. Allele origin: germline.
Comment: The p.T484I variant (also known as c.1451C>T), located in coding exon 10 of the RINT1 gene, results from a C to T substitution at nucleotide position 1451. The threonine at codon 484 is replaced by isoleucine, an amino acid with similar properties. This amino acid position is conserved. In addition, this alteration is predicted to be tolerated by in silico analysis. Based on the available evidence, the clinical significance of this variant remains unclear.

Labcorp Genetics (formerly Invitae), Labcorp
Classification: Uncertain significance. Last evaluated: 2025-01-23. Review status: criteria provided, single submitter. Criteria: Invitae Variant Classification Sherloc (09022015). Collection method: clinical testing. Allele origin: germline.
Comment: This sequence change replaces threonine, which is neutral and polar, with isoleucine, which is neutral and non-polar, at codon 484 of the RINT1 protein (p.Thr484Ile). This variant is not present in population databases (gnomAD no frequency). This variant has not been reported in the literature in individuals affected with RINT1-related conditions. ClinVar contains an entry for this variant (Variation ID: 949160). An algorithm developed to predict the effect of missense changes on protein structure and function (PolyPhen-2) suggests that this variant is likely to be tolerated. In summary, the available evidence is currently insufficient to determine the role of this variant in disease. Therefore, it has been classified as a Variant of Uncertain Significance.

NM_021930.6(RINT1):c.1451C>T (p.Thr484Ile)

Gene: RINT1 (RAD50 interactor 1; plus strand). Cytogenetic location: 7q22.3.
Variant type: single nucleotide variant.
Coding change: c.1451C>T on transcript NM_021930.6 (MANE Select); coding-DNA position 1451, C replaced by T.
Protein change: p.Thr484Ile; replaces threonine 484 with isoleucine.
Molecular consequence: missense variant. On other transcripts: non-coding transcript variant (1).
Genome position (GRCh38, 1-based): chr7:105,551,687, C>T. VCF-style: chr7-105551687-C-T. GRCh37 (hg19) VCF-style: chr7-105192134-C-T.
Other names: c.1217C>T, p.Thr406Ile (NM_001346599.2); c.428C>T, p.Thr143Ile (NM_001346600.2, NM_001346603.2); c.527C>T, p.Thr176Ile (NM_001346601.2); short protein forms T143I, T176I, T406I, T484I.
Identifiers: ClinVar variation 949160 (VCV000949160.10), dbSNP rs755999062, ClinGen allele CA164058233.